The following is an entry in ClinVar:

NM_000275.3(OCA2):c.371_372del (p.Glu124fs)

Gene: OCA2 (OCA2 melanosomal transmembrane protein; minus strand). Cytogenetic location: 15q13.1.
Variant type: Deletion.
Coding change: c.371_372del on transcript NM_000275.3 (MANE Select); coding-DNA positions 371 to 372, 2 bases deleted (AA; older notation c.371_372delAA).
Protein change: p.Glu124fs; shifts the reading frame from glutamic acid 124.
Molecular consequence: frameshift variant.
Genome position (GRCh38, 1-based): chr15:28,028,014-28,028,015, TT deleted on the plus strand (AA on the coding strand, the reverse complement: OCA2 is on the minus strand). VCF-style (leftmost placement, unchanged base first): chr15-28028013-CTT-C. GRCh37 (hg19) VCF-style: chr15-28273159-CTT-C.
Other names: c.371_372del, p.Glu124fs (NM_001300984.2); short protein forms E124fs.
Identifiers: ClinVar variation 3693454 (VCV003693454.2).

ClinVar aggregate classification (germline): Pathogenic (1 of 4 stars; one submission).

Submission:

Labcorp Genetics (formerly Invitae), Labcorp
Classification: Pathogenic. Last evaluated: 2024-03-03. Review status: criteria provided, single submitter. Criteria: Invitae Variant Classification Sherloc (09022015). Collection method: clinical testing. Allele origin: germline.
Comment: This sequence change creates a premature translational stop signal (p.Glu124Glyfs*9) in the OCA2 gene. It is expected to result in an absent or disrupted protein product. Loss-of-function variants in OCA2 are known to be pathogenic (PMID: 19865097, 21541274). This variant is not present in population databases (gnomAD no frequency). This variant has not been reported in the literature in individuals affected with OCA2-related conditions. For these reasons, this variant has been classified as Pathogenic.

Literature cited by the submitters: PubMed 19865097; PubMed 21541274.